The following is an entry in ClinVar:

NM_018062.4(FANCL):c.428C>T (p.Ala143Val)

Gene: FANCL (FA complementation group L; minus strand). Cytogenetic location: 2p16.1.
Variant type: single nucleotide variant.
Coding change: c.428C>T on transcript NM_018062.4 (MANE Select); coding-DNA position 428, C replaced by T.
Protein change: p.Ala143Val; replaces alanine 143 with valine.
Molecular consequence: missense variant.
Genome position (GRCh38, 1-based): chr2:58,204,173, G>A on the plus strand (C>T on the coding strand, the complement: FANCL is on the minus strand). VCF-style: chr2-58204173-G-A. GRCh37 (hg19) VCF-style: chr2-58431308-G-A.
Other names: c.428C>T, p.Ala143Val (NM_001114636.2, NM_001374615.1, NM_001410792.1); short protein forms A143V.
Identifiers: ClinVar variation 1355189 (VCV001355189.8), dbSNP rs756000370, ClinGen allele CA1670633.

ClinVar aggregate classification (germline): Uncertain significance. Review status: criteria provided, multiple submitters, no conflicts (2 of 4 stars). 3 submissions from 3 submitters: Uncertain significance (3). Last evaluated 2025-10-07.

Conditions:
Inborn genetic diseases. Identifiers: MedGen C0950123, MeSH D030342.
Fanconi anemia (FA). Also called: Fanconi's anemia. Identifiers: Orphanet 84, MedGen C0015625, MeSH D005199, MONDO:0019391.
Fanconi anemia complementation group L (FANCL). Also called: FANCL-Related Fanconi Anemia. Identifiers: Orphanet 84, MedGen C3469528, MONDO:0013566, OMIM 614083.

Allele frequency attached by ClinVar (database versions not stated): ExAC 0.00001; gnomAD 0.00001; gnomAD exomes 0.00002.
gnomAD v4.1: 16 of 1,613,136 alleles (0.00099%); highest among the groups gnomAD compares: East Asian, 0.031%; no homozygotes.

Submissions (3):

Ambry Genetics
Classification: Uncertain significance for Inborn genetic diseases. Last evaluated: 2025-10-07. Review status: criteria provided, single submitter. Criteria: Ambry Variant Classification Scheme 2023. Collection method: clinical testing. Allele origin: germline.

Labcorp Genetics (formerly Invitae), Labcorp
Classification: Uncertain significance for Fanconi anemia. Last evaluated: 2024-03-16. Review status: criteria provided, single submitter. Criteria: Invitae Variant Classification Sherloc (09022015). Collection method: clinical testing. Allele origin: germline.
Comment: This sequence change replaces alanine, which is neutral and non-polar, with valine, which is neutral and non-polar, at codon 143 of the FANCL protein (p.Ala143Val). This variant is present in population databases (rs756000370, gnomAD 0.03%). This variant has not been reported in the literature in individuals affected with FANCL-related conditions. ClinVar contains an entry for this variant (Variation ID: 1355189). Advanced modeling of protein sequence and biophysical properties (such as structural, functional, and spatial information, amino acid conservation, physicochemical variation, residue mobility, and thermodynamic stability) performed at Invitae indicates that this missense variant is not expected to disrupt FANCL protein function with a negative predictive value of 80%. In summary, the available evidence is currently insufficient to determine the role of this variant in disease. Therefore, it has been classified as a Variant of Uncertain Significance.

Fulgent Genetics
Classification: Uncertain significance for Fanconi anemia complementation group L. Last evaluated: 2024-01-02. Review status: criteria provided, single submitter. Criteria: ACMG Guidelines, 2015. Collection method: clinical testing. Allele origin: germline.